The following is an entry in ClinVar:

ClinVar aggregate classification (germline): Uncertain significance (1 of 4 stars; one submission).

gnomAD v4.1: 1 of 1,608,958 alleles (0.000062%); highest among the groups gnomAD compares: African/African-American, 0.0013%; no homozygotes.

Submission:

Labcorp Genetics (formerly Invitae), Labcorp
Classification: Uncertain significance. Last evaluated: 2025-04-02. Review status: criteria provided, single submitter. Criteria: Invitae Variant Classification Sherloc (09022015). Collection method: clinical testing. Allele origin: germline.
Comment: This sequence change replaces phenylalanine, which is neutral and non-polar, with leucine, which is neutral and non-polar, at codon 270 of the CYP51A1 protein (p.Phe270Leu). This variant is present in population databases (no rsID available, gnomAD 0.01%). This variant has not been reported in the literature in individuals affected with CYP51A1-related conditions. An algorithm developed to predict the effect of missense changes on protein structure and function (PolyPhen-2) suggests that this variant is likely to be disruptive. In summary, the available evidence is currently insufficient to determine the role of this variant in disease. Therefore, it has been classified as a Variant of Uncertain Significance.

NM_000786.4(CYP51A1):c.810C>G (p.Phe270Leu)

Gene: CYP51A1 (cytochrome P450 family 51 subfamily A member 1; minus strand). Cytogenetic location: 7q21.2.
Variant type: single nucleotide variant.
Coding change: c.810C>G on transcript NM_000786.4 (MANE Select); coding-DNA position 810, C replaced by G.
Protein change: p.Phe270Leu; replaces phenylalanine 270 with leucine.
Molecular consequence: missense variant.
Genome position (GRCh38, 1-based): chr7:92,123,814, G>C on the plus strand (C>G on the coding strand, the complement: CYP51A1 is on the minus strand). VCF-style: chr7-92123814-G-C. GRCh37 (hg19) VCF-style: chr7-91753128-G-C.
Other names: c.495C>G, p.Phe165Leu (NM_001146152.2); short protein forms F270L, F165L.
Identifiers: ClinVar variation 4702621 (VCV004702621.1).